The following is an entry in ClinVar:

NM_001256715.2(DNAAF3):c.610_629delinsTGGGACCTGCGCATGAAGCTG (p.Ala204fs)

Genes: DNAAF3 (dynein axonemal assembly factor 3; minus strand), DNAAF3-AS1 (DNAAF3 antisense RNA 1; plus strand). Cytogenetic location: 19q13.42.
Variant type: Indel.
Coding change: c.610_629delinsTGGGACCTGCGCATGAAGCTG on transcript NM_001256715.2 (MANE Select); coding-DNA positions 610 to 629, GCCCGGCGCGGTGTCAGCGA replaced by TGGGACCTGCGCATGAAGCTG.
Protein change: p.Ala204fs; shifts the reading frame from alanine 204.
Molecular consequence: frameshift variant.
Genome position (GRCh38, 1-based): chr19:55,161,677-55,161,696, TCGCTGACACCGCGCCGGGC replaced by CAGCTTCATGCGCAGGTCCCA on the plus strand (GCCCGGCGCGGTGTCAGCGA replaced by TGGGACCTGCGCATGAAGCTG on the coding strand, the reverse complement: DNAAF3 is on the minus strand). GRCh37 (hg19): chr19:55,673,045-55,673,064.
Other names: c.814_833delinsTGGGACCTGCGCATGAAGCTG, p.Ala272fs (NM_001256714.1); c.448_467delinsTGGGACCTGCGCATGAAGCTG, p.Ala150fs (NM_001256716.2); c.751_770delinsTGGGACCTGCGCATGAAGCTG, p.Ala251fs (NM_178837.4); short protein forms A150fs, A204fs, A251fs, A272fs.
Identifiers: ClinVar variation 4852782 (VCV004852782.1).

ClinVar aggregate classification (germline): Likely pathogenic (1 of 4 stars; one submission).

Conditions:
Primary ciliary dyskinesia 2. Also called: CILIARY DYSKINESIA, PRIMARY, 2, WITH OR WITHOUT SITUS INVERSUS. Identifiers: Orphanet 244, MedGen C1847554, MONDO:0011718, OMIM 606763.

Submission:

Diagnostics Services (NGS), CSIR - Centre For Cellular And Molecular Biology
Classification: Likely pathogenic for Primary ciliary dyskinesia 2. Last evaluated: 2026-04-17. Review status: criteria provided, single submitter. Criteria: ACMG Guidelines, 2015. Collection method: clinical testing. Allele origin: germline. Observed: 1 variant allele, 1 homozygote.
Comment: The c.610_629delinsTGGGACCTGCGCATGAAGCTG variant is not present in 1000 Genomes, EVS, gnomAD or our internal database. This variant is present in the Indian Exome Database at a low frequency. This variant has neither been published in literature with DNAAF3-related conditions nor reported to the HGMD, ClinVar or OMIM databases, in any affected individuals. In-silico pathogenicity prediction programs like MutationTaster2021, CADD, Franklin, Varsome, etc predicted this variant to be likely deleterious. This variant causes frameshift at the 204th amino acid position of the wild-type transcript which creates a premature translational stop signal at the altered transcript that may either result in translation of a truncated protein or cause nonsense mediated decay of the mRNA.